The following is an entry in ClinVar:

NM_000051.4(ATM):c.4452_4462del (p.Met1484fs)

Gene: ATM (ATM serine/threonine kinase; plus strand). Cytogenetic location: 11q22.3.
Variant type: Deletion.
Coding change: c.4452_4462del on transcript NM_000051.4 (MANE Select); coding-DNA positions 4452 to 4462, 11 bases deleted (GGATGTGTCAT).
Protein change: p.Met1484fs; shifts the reading frame from methionine 1484.
Molecular consequence: frameshift variant.
Genome position (GRCh38, 1-based): chr11:108,292,634-108,292,644, GGATGTGTCAT deleted; deleting any 11 consecutive bases within chr11:108,292,630-108,292,644 gives the same sequence; the c. name uses the placement nearest the transcript's 3' end. VCF-style (leftmost placement, unchanged base first): chr11-108292629-ATCATGGATGTG-A. GRCh37 (hg19) VCF-style: chr11-108163356-ATCATGGATGTG-A.
Other names: c.4452_4462del, p.Met1484fs (NM_001351834.2); short protein forms M1484fs.
Identifiers: ClinVar variation 2034093 (VCV002034093.4), dbSNP rs2546923954, ClinGen allele CA2580083248.
Genomic context (GRCh38, chr11:108,292,629, plus strand): 5'-ATTTTCCAGAACTTACTGGTTGTTGTTGTTTTTTTTTCTCCCTATATTAGGCCTTCTTGT[ATCATGGATGTG>A]TCATTACGTAGCTTCTCCCTTTGTTGTGACTTATTAAGTCAGGTTTGCCAGACAGCCGTG-3'

ClinVar aggregate classification (germline): Pathogenic (1 of 4 stars; one submission).

Conditions:
Ataxia-telangiectasia syndrome (AT). Also called: Ataxia-telangiectasia, complementation group D; ATAXIA-TELANGIECTASIA, COMPLEMENTATION GROUP A; ATAXIA-TELANGIECTASIA, FRESNO VARIANT; Ataxia-telangiectasia; Ataxia telangiectasia (A-T); Cerebello-oculocutaneous telangiectasia. Identifiers: Orphanet 100, MedGen C0004135, MONDO:0008840, OMIM 208900.

Submission:

Labcorp Genetics (formerly Invitae), Labcorp
Classification: Pathogenic for Ataxia-telangiectasia syndrome. Last evaluated: 2022-10-04. Review status: criteria provided, single submitter. Criteria: Invitae Variant Classification Sherloc (09022015). Collection method: clinical testing. Allele origin: germline.
Comment: RNA analysis performed to evaluate the impact of this premature translational stop signal on mRNA splicing indicates it does not significantly alter splicing (Invitae). For these reasons, this variant has been classified as Pathogenic. This variant has not been reported in the literature in individuals affected with ATM-related conditions. This variant is not present in population databases (gnomAD no frequency). This sequence change creates a premature translational stop signal (p.Met1484Ilefs*3) in the ATM gene. It is expected to result in an absent or disrupted protein product. Loss-of-function variants in ATM are known to be pathogenic (PMID: 23807571, 25614872).

Literature cited by the submitters: PubMed 23807571; PubMed 25614872.